The following is an entry in ClinVar:

NM_177939.3(P4HTM):c.436+8C>T

Gene: P4HTM (prolyl 4-hydroxylase, transmembrane; plus strand). Cytogenetic location: 3p21.31.
Variant type: single nucleotide variant.
Coding change: c.436+8C>T on transcript NM_177939.3 (MANE Select); 8 bases into the intron after coding-DNA position 436, C replaced by T.
Molecular consequence: intron variant.
Genome position (GRCh38, 1-based): chr3:48,990,922, C>T. VCF-style: chr3-48990922-C-T. GRCh37 (hg19) VCF-style: chr3-49028355-C-T.
Other names: p.?; c.436+8C>T (NM_177938.2).
Identifiers: ClinVar variation 4684703 (VCV004684703.2).

ClinVar aggregate classification (germline): Benign/Likely benign. Review status: criteria provided, multiple submitters, no conflicts (2 of 4 stars). 2 submissions from 2 submitters: Benign (1); Likely benign (1). Last evaluated 2024-11-21.

Submissions (2):

Blueprint Genetics
Classification: Likely benign. Last evaluated: 2024-11-21. Review status: criteria provided, single submitter. Criteria: ACMG Guidelines, 2015. Collection method: clinical testing. Allele origin: germline.

Mayo Clinic Laboratories, Mayo Clinic
Classification: Benign. Last evaluated: 2024-10-29. Review status: criteria provided, single submitter. Criteria: ACMG Guidelines, 2015. Collection method: clinical testing. Allele origin: germline. Observed: 1 variant allele.
Comment: BS1, BS2, BP4, BP7